The following is an entry in ClinVar:

ClinVar aggregate classification (germline): Pathogenic/Likely pathogenic. Review status: criteria provided, multiple submitters, no conflicts (2 of 4 stars). 2 submissions from 2 submitters: Pathogenic (1); Likely pathogenic (1). Last evaluated 2024-02-07.

Conditions:
Xeroderma pigmentosum group A (XPA). Also called: XPA-Related Xeroderma Pigmentosum; Xeroderma pigmentosum, complementation group A; XP, group A. Identifiers: Orphanet 910, MedGen C0268135, MONDO:0010210, OMIM 278700.

Submissions (2):

Labcorp Genetics (formerly Invitae), Labcorp
Classification: Pathogenic. Last evaluated: 2024-02-07. Review status: criteria provided, single submitter. Criteria: Invitae Variant Classification Sherloc (09022015). Collection method: clinical testing. Allele origin: germline.
Comment: This sequence change creates a premature translational stop signal (p.Glu201Serfs*18) in the XPA gene. While this is not anticipated to result in nonsense mediated decay, it is expected to disrupt the last 73 amino acid(s) of the XPA protein. This variant is not present in population databases (gnomAD no frequency). This variant has not been reported in the literature in individuals affected with XPA-related conditions. This variant disrupts a region of the XPA protein in which other variant(s) (p.Arg258Tyrfs*5) have been determined to be pathogenic (PMID: 31478152). This suggests that this is a clinically significant region of the protein, and that variants that disrupt it are likely to be disease-causing. For these reasons, this variant has been classified as Pathogenic.

Baylor Genetics
Classification: Likely pathogenic for Xeroderma pigmentosum group A. Last evaluated: 2023-12-25. Review status: criteria provided, single submitter. Criteria: ACMG Guidelines, 2015. Collection method: clinical testing. Allele origin: unknown.

Literature cited by the submitters: PubMed 31478152 (cited by Labcorp Genetics (formerly Invitae), Labcorp).

NM_000380.4(XPA):c.601_605del (p.Glu201fs)

Gene: XPA (XPA, DNA damage recognition and repair factor; minus strand). Cytogenetic location: 9q22.33.
Variant type: Deletion.
Coding change: c.601_605del on transcript NM_000380.4 (MANE Select); coding-DNA positions 601 to 605, 5 bases deleted (GAAGA; older notation c.601_605delGAAGA).
Protein change: p.Glu201fs; shifts the reading frame from glutamic acid 201.
Molecular consequence: frameshift variant. On other transcripts: non-coding transcript variant (5).
Genome position (GRCh38, 1-based): chr9:97,684,991-97,684,995, TCTTC deleted on the plus strand (GAAGA on the coding strand, the reverse complement: XPA is on the minus strand); deleting any 5 consecutive bases within chr9:97,684,991-97,684,996 gives the same sequence; the c. name uses the placement nearest the transcript's 3' end. VCF-style (leftmost placement, unchanged base first): chr9-97684990-TTCTTC-T. GRCh37 (hg19) VCF-style: chr9-100447272-TTCTTC-T.
Other names: c.475_479del, p.Glu159fs (NM_001354975.2); short protein forms E159fs, E201fs.
Identifiers: ClinVar variation 3240745 (VCV003240745.3), dbSNP rs1489386089.
Genomic context (GRCh38, chr9:97,684,990, plus strand): 5'-TTTTTTATCAAATTTCTTCTGTTTCATTTTTTCTCGGTTTTCCTGTCGGACTTCCTTTGC[TTCTTC>T]TAATGCTTCTTGACTACCCCAAACTTCAAGAGACCTCTTCACAATCTACAACACAAAATC-3'